The following is an entry in ClinVar:

NM_001278512.2(AP3B2):c.1971+6C>T

Genes: AP3B2 (adaptor related protein complex 3 subunit beta 2; minus strand), CPEB1-AS1 (CPEB1 antisense RNA 1; plus strand). Cytogenetic location: 15q25.2.
Variant type: single nucleotide variant.
Coding change: c.1971+6C>T on transcript NM_001278512.2 (MANE Select); 6 bases into the intron after coding-DNA position 1971, C replaced by T.
Molecular consequence: intron variant.
Genome position (GRCh38, 1-based): chr15:82,665,451, G>A on the plus strand (C>T on the coding strand, the complement: AP3B2 is on the minus strand). VCF-style: chr15-82665451-G-A. GRCh37 (hg19) VCF-style: chr15-83334203-G-A.
Other names: c.1875+6C>T (NM_001278511.2); c.1971+6C>T (NM_004644.5).
Identifiers: ClinVar variation 1449219 (VCV001449219.5), dbSNP rs373943793, ClinGen allele CA7700077.

ClinVar aggregate classification (germline): Conflicting classifications of pathogenicity. Review status: criteria provided, conflicting classifications (1 of 4 stars). 2 submissions from 2 submitters: Uncertain significance (1); Likely benign (1). Last evaluated 2025-04-07.

Allele frequency attached by ClinVar (database versions not stated): gnomAD 0.00002 and 0.00005; TOPMed 0.00003; gnomAD exomes 0.00004 and 0.00009; ESP Exome Variant Server 0.00008; ExAC 0.00009; 1000 Genomes Project 30x 0.00031; 1000 Genomes Project 0.00040.
gnomAD v4.1: 72 of 1,589,280 alleles (0.0045%); highest among the groups gnomAD compares: South Asian, 0.06%; 1 homozygote.

Submissions (2):

Labcorp Genetics (formerly Invitae), Labcorp
Classification: Uncertain significance. Last evaluated: 2025-04-07. Review status: criteria provided, single submitter. Criteria: Invitae Variant Classification Sherloc (09022015). Collection method: clinical testing. Allele origin: germline.
Comment: This sequence change falls in intron 16 of the AP3B2 gene. It does not directly change the encoded amino acid sequence of the AP3B2 protein. It affects a nucleotide within the consensus splice site. This variant is present in population databases (rs373943793, gnomAD 0.05%). This variant has not been reported in the literature in individuals affected with AP3B2-related conditions. ClinVar contains an entry for this variant (Variation ID: 1449219). Variants that disrupt the consensus splice site are a relatively common cause of aberrant splicing (PMID: 17576681, 9536098). Algorithms developed to predict the effect of sequence changes on RNA splicing suggest that this variant is not likely to affect RNA splicing. In summary, the available evidence is currently insufficient to determine the role of this variant in disease. Therefore, it has been classified as a Variant of Uncertain Significance.

Blueprint Genetics
Classification: Likely benign. Last evaluated: 2024-10-02. Review status: criteria provided, single submitter. Criteria: ACMG Guidelines, 2015. Collection method: clinical testing. Allele origin: germline.

Literature cited by the submitters: PubMed 17576681 (cited by Labcorp Genetics (formerly Invitae), Labcorp); PubMed 9536098 (cited by Labcorp Genetics (formerly Invitae), Labcorp).